The following is an entry in ClinVar:

NM_003183.6(ADAM17):c.2212C>T (p.Arg738Cys)

Genes: ADAM17 (ADAM metallopeptidase domain 17; minus strand), IAH1 (isoamyl acetate hydrolyzing esterase 1 (putative); plus strand). Cytogenetic location: 2p25.1.
Variant type: single nucleotide variant.
Coding change: c.2212C>T on transcript NM_003183.6 (MANE Select); coding-DNA position 2212, C replaced by T.
Protein change: p.Arg738Cys; replaces arginine 738 with cysteine.
Molecular consequence: missense variant.
Genome position (GRCh38, 1-based): chr2:9,490,440, G>A on the plus strand (C>T on the coding strand, the complement: ADAM17 is on the minus strand). VCF-style: chr2-9490440-G-A. GRCh37 (hg19) VCF-style: chr2-9630569-G-A.
Other names: c.2212C>T, p.Arg738Cys (LRG_1203t1); short protein forms R738C.
Identifiers: ClinVar variation 648768 (VCV000648768.21), dbSNP rs370064783, ClinGen allele CA1523263.

ClinVar aggregate classification (germline): Uncertain significance. Review status: criteria provided, multiple submitters, no conflicts (2 of 4 stars). 2 submissions from 2 submitters: Uncertain significance (2). Last evaluated 2025-11-01.

Conditions:
Inflammatory skin and bowel disease, neonatal, 1. Identifiers: Orphanet 294023, MedGen C3280501, MONDO:0013693, OMIM 614328.

Allele frequency attached by ClinVar (database versions not stated): TOPMed 0.00003; ExAC 0.00006; ESP Exome Variant Server 0.00008; 1000 Genomes Project 30x 0.00016; 1000 Genomes Project 0.00020.
gnomAD v4.1: 176 of 1,614,170 alleles (0.011%); highest among the groups gnomAD compares: Middle Eastern, 0.033%; no homozygotes.

Submissions (2):

CeGaT Center for Human Genetics Tuebingen
Classification: Uncertain significance. Last evaluated: 2025-11-01. Review status: criteria provided, single submitter. Criteria: CeGaT Center For Human Genetics Tuebingen Variant Classification Criteria Version 2. Collection method: clinical testing. Allele origin: germline. Affected: yes. Observed: 2 variant alleles.
Comment: ADAM17: PM2

Labcorp Genetics (formerly Invitae), Labcorp
Classification: Uncertain significance for Inflammatory skin and bowel disease, neonatal, 1. Last evaluated: 2023-04-10. Review status: criteria provided, single submitter. Criteria: Invitae Variant Classification Sherloc (09022015). Collection method: clinical testing. Allele origin: germline.
Comment: In summary, the available evidence is currently insufficient to determine the role of this variant in disease. Therefore, it has been classified as a Variant of Uncertain Significance. An algorithm developed to predict the effect of missense changes on protein structure and function (PolyPhen-2) suggests that this variant is likely to be disruptive. ClinVar contains an entry for this variant (Variation ID: 648768). This variant has not been reported in the literature in individuals affected with ADAM17-related conditions. This variant is present in population databases (rs370064783, gnomAD 0.02%). This sequence change replaces arginine, which is basic and polar, with cysteine, which is neutral and slightly polar, at codon 738 of the ADAM17 protein (p.Arg738Cys).